The following is an entry in ClinVar:

ClinVar aggregate classification (germline): Conflicting classifications of pathogenicity. Review status: criteria provided, conflicting classifications (1 of 4 stars). 3 submissions from 3 submitters: Uncertain significance (1); Likely benign (2). Last evaluated 2025-01-17.

Conditions:
Inborn genetic diseases. Identifiers: MedGen C0950123, MeSH D030342.
KBG syndrome (KBGS). Also called: ANKRD11-Related KBG Syndrome. Identifiers: Orphanet 2332, MedGen C0220687, MONDO:0007846, OMIM 148050.

gnomAD v4.1: 30 of 1,612,730 alleles (0.0019%); highest among the groups gnomAD compares: Non-Finnish European, 0.0024%; no homozygotes.

Submissions (3):

Ambry Genetics
Classification: Likely benign for Inborn genetic diseases. Last evaluated: 2025-01-17. Review status: criteria provided, single submitter. Criteria: Ambry Variant Classification Scheme 2023. Collection method: clinical testing. Allele origin: germline.

Labcorp Genetics (formerly Invitae), Labcorp
Classification: Uncertain significance for KBG syndrome. Last evaluated: 2024-10-24. Review status: criteria provided, single submitter. Criteria: Invitae Variant Classification Sherloc (09022015). Collection method: clinical testing. Allele origin: germline.
Comment: This sequence change replaces aspartic acid, which is acidic and polar, with glutamic acid, which is acidic and polar, at codon 1222 of the ANKRD11 protein (p.Asp1222Glu). This variant is present in population databases (rs750726341, gnomAD 0.007%). This variant has not been reported in the literature in individuals affected with ANKRD11-related conditions. Invitae Evidence Modeling of protein sequence and biophysical properties (such as structural, functional, and spatial information, amino acid conservation, physicochemical variation, residue mobility, and thermodynamic stability) indicates that this missense variant is not expected to disrupt ANKRD11 protein function with a negative predictive value of 95%. In summary, the available evidence is currently insufficient to determine the role of this variant in disease. Therefore, it has been classified as a Variant of Uncertain Significance.

Blueprint Genetics
Classification: Likely benign. Last evaluated: 2020-09-16. Review status: criteria provided, single submitter. Criteria: ACMG Guidelines, 2015. Collection method: clinical testing. Allele origin: germline.

NM_013275.6(ANKRD11):c.3666C>G (p.Asp1222Glu)

Gene: ANKRD11 (ankyrin repeat domain 11; minus strand). Cytogenetic location: 16q24.3.
Variant type: single nucleotide variant.
Coding change: c.3666C>G on transcript NM_013275.6 (MANE Select); coding-DNA position 3666, C replaced by G.
Protein change: p.Asp1222Glu; replaces aspartic acid 1222 with glutamic acid.
Molecular consequence: missense variant.
Genome position (GRCh38, 1-based): chr16:89,282,876, G>C on the plus strand (C>G on the coding strand, the complement: ANKRD11 is on the minus strand). VCF-style: chr16-89282876-G-C. GRCh37 (hg19) VCF-style: chr16-89349284-G-C.
Other names: c.3666C>G, p.Asp1222Glu (NM_001256182.2, NM_001256183.2); c.3666C>G (NM_013275.4); short protein forms D1222E.
Identifiers: ClinVar variation 3706149 (VCV003706149.4).